The following is an entry in ClinVar:

NM_001165963.4(SCN1A):c.4510C>T (p.Gln1504Ter)

Genes: SCN1A (sodium voltage-gated channel alpha subunit 1; minus strand), LOC102724058 (uncharacterized LOC102724058; plus strand). Cytogenetic location: 2q24.3.
Variant type: single nucleotide variant.
Coding change: c.4510C>T on transcript NM_001165963.4 (MANE Select); coding-DNA position 4510, C replaced by T.
Protein change: p.Gln1504Ter; replaces glutamine 1504 with a stop codon.
Molecular consequence: nonsense. On other transcripts: non-coding transcript variant (1).
Genome position (GRCh38, 1-based): chr2:165,996,084, G>A on the plus strand (C>T on the coding strand, the complement: SCN1A is on the minus strand). VCF-style: chr2-165996084-G-A. GRCh37 (hg19) VCF-style: chr2-166852594-G-A.
Other names: c.4426C>T, p.Gln1476Ter (NM_001165964.3, NM_001353957.2, NM_001353958.2); c.4510C>T, p.Gln1504Ter (NM_001202435.3, NM_001353948.2); c.4477C>T, p.Gln1493Ter (NM_001353949.2, NM_001353950.2, NM_001353951.2 and 2 more transcripts); c.4474C>T, p.Gln1492Ter (NM_001353954.2, NM_001353955.2); c.4423C>T, p.Gln1475Ter (NM_001353960.2); c.2068C>T, p.Gln690Ter (NM_001353961.2); short protein forms Q1493*, Q1475*, Q1476*, Q1492*, Q1504*, Q690*.
Identifiers: ClinVar variation 4839842 (VCV004839842.2).
Genomic context (GRCh38, chr2:165,996,084, plus strand): 5'-GTATAGGCTTTTGCGGTTTTTTCGATCCTAATTTTTTCATTGCATTATAGTATTTCTTCT[G>A]TTCTTCTGTCATAAAGATGTCTTGACCTCCAAAGTATAGAAAAGAAAAATCAAACTGGTT-3'

ClinVar aggregate classification (germline): Pathogenic/Likely pathogenic. Review status: criteria provided, multiple submitters, no conflicts (2 of 4 stars). 2 submissions from 2 submitters: Pathogenic (1); Likely pathogenic (1). Last evaluated 2026-03-04.

Conditions:
Inborn genetic diseases. Identifiers: MedGen C0950123, MeSH D030342.
SCN1A-related disorder. Also called: SCN1A-related conditions; SCN1A-related condition; SCN1A-related disorders.

Submissions (2):

Ambry Genetics
Classification: Pathogenic for Inborn genetic diseases. Last evaluated: 2026-03-04. Review status: criteria provided, single submitter. Criteria: Ambry Variant Classification Scheme 2023. Collection method: clinical testing. Allele origin: germline.
Comment: The c.4510C>T (p.Q1504*) alteration, located in exon 24 (coding exon 24) of the SCN1A gene, consists of a C to T substitution at nucleotide position 4510. This changes the amino acid from a glutamine (Q) to a stop codon at amino acid position 1504. This variant is expected to result in loss of function by premature protein truncation or nonsense-mediated mRNA decay. for Dravet syndrome; however, its clinical significance for SCN1A-related developmental and epileptic encephalopathy, SCN1A-related hemiplegic migraine, and SCN1A-related generalized epilepsy with febrile seizures plus is uncertain. This variant was not reported in population-based cohorts in the Genome Aggregation Database (gnomAD). Based on the available evidence, this alteration is classified as pathogenic.

3billion
Classification: Likely pathogenic for SCN1A-related disorder. Last evaluated: 2026-01-27. Review status: criteria provided, single submitter. Criteria: ACMG Guidelines, 2015. Collection method: clinical testing. Allele origin: germline. Affected: yes.
Comment: The variant is not observed in the gnomAD v4.1.0 dataset. Predicted Consequence/Location: Stop-gained (nonsense): predicted to result in a loss or disruption of normal protein function through nonsense-mediated decay (NMD) or protein truncation. Multiple pathogenic variants are reported downstream of the variant. Therefore, this variant is classified as Likely pathogenic according to the recommendation of ACMG/AMP guideline.